The following is an entry in ClinVar:

ClinVar aggregate classification (germline): Benign (1 of 4 stars; one submission).

Allele frequency attached by ClinVar (database versions not stated): gnomAD 0.21766 and 0.22276; TOPMed 0.24358; 1000 Genomes Project 30x 0.31449; 1000 Genomes Project 0.31889.
gnomAD v4.1: 33,811 of 152,112 alleles (22%); highest among the groups gnomAD compares: East Asian, 53%; 4,425 homozygotes.

Submission:

GeneDx
Classification: Benign. Last evaluated: 2018-06-16. Review status: criteria provided, single submitter. Criteria: GeneDx Variant Classification (06012015). Collection method: clinical testing. Allele origin: germline. Affected: yes.
Comment: This variant is considered likely benign or benign based on one or more of the following criteria: it is a conservative change, it occurs at a poorly conserved position in the protein, it is predicted to be benign by multiple in silico algorithms, and/or has population frequency not consistent with disease.

NM_001048166.1(STIL):c.1133+227A>G

Gene: STIL (STIL centriolar assembly protein; minus strand). Cytogenetic location: 1p33.
Variant type: single nucleotide variant.
Coding change: c.1133+227A>G on transcript NM_001048166.1 (MANE Select); 227 bases into the intron after coding-DNA position 1133, A replaced by G.
Molecular consequence: intron variant.
Genome position (GRCh38, 1-based): chr1:47,287,324, T>C on the plus strand (A>G on the coding strand, the complement: STIL is on the minus strand). VCF-style: chr1-47287324-T-C. GRCh37 (hg19) VCF-style: chr1-47752996-T-C.
Other names: c.1133+227A>G (NM_003035.2, NM_001282937.1, NM_001282936.1); c.992+227A>G (NM_001282939.1, NM_001282938.1).
Identifiers: ClinVar variation 675580 (VCV000675580.1), dbSNP rs3125644, ClinGen allele CA15085274.